The following is an entry in ClinVar:

NM_017534.6(MYH2):c.2543_2549del (p.Ser848fs)

Genes: MYH2 (myosin heavy chain 2; minus strand), MYHAS (myosin heavy chain gene cluster antisense RNA; plus strand). Cytogenetic location: 17p13.1.
Variant type: Deletion.
Coding change: c.2543_2549del on transcript NM_017534.6 (MANE Select); coding-DNA positions 2543 to 2549, 7 bases deleted (GTGCAGA; older notation c.2543_2549delGTGCAGA).
Protein change: p.Ser848fs; shifts the reading frame from serine 848.
Molecular consequence: frameshift variant.
Genome position (GRCh38, 1-based): chr17:10,531,781-10,531,787, TCTGCAC deleted on the plus strand (GTGCAGA on the coding strand, the reverse complement: MYH2 is on the minus strand); deleting any 7 consecutive bases within chr17:10,531,781-10,531,790 gives the same sequence; the c. name uses the placement nearest the transcript's 3' end. VCF-style (leftmost placement, unchanged base first): chr17-10531780-TTCTGCAC-T. GRCh37 (hg19) VCF-style: chr17-10435097-TTCTGCAC-T.
Other names: c.2543_2549del, p.Ser848fs (NM_001100112.2); short protein forms S848fs.
Identifiers: ClinVar variation 4748128 (VCV004748128.1).

ClinVar aggregate classification (germline): Pathogenic (1 of 4 stars; one submission).

Conditions:
Myopathy, proximal, and ophthalmoplegia (CMYO6). Also called: MYOPATHY WITH CONGENITAL JOINT CONTRACTURES, OPHTHALMOPLEGIA, AND RIMMED VACUOLES; CONGENITAL MYOPATHY 6 WITH OPHTHALMOPLEGIA; INCLUSION BODY MYOPATHY 3, AUTOSOMAL DOMINANT. Identifiers: Orphanet 363677, Orphanet 79091, MedGen C1854106, MONDO:0011577, OMIM 605637.

Submission:

Labcorp Genetics (formerly Invitae), Labcorp
Classification: Pathogenic for Myopathy, proximal, and ophthalmoplegia. Last evaluated: 2025-02-25. Review status: criteria provided, single submitter. Criteria: Invitae Variant Classification Sherloc (09022015). Collection method: clinical testing. Allele origin: germline.
Comment: This sequence change creates a premature translational stop signal (p.Ser848Lysfs*9) in the MYH2 gene. It is expected to result in an absent or disrupted protein product. Loss-of-function variants in MYH2 are known to be pathogenic (PMID: 20418530, 23388406, 24193343). This variant is present in population databases (no rsID available, gnomAD 0.003%). This variant has not been reported in the literature in individuals affected with MYH2-related conditions. For these reasons, this variant has been classified as Pathogenic.

Literature cited by the submitters: PubMed 20418530; PubMed 23388406; PubMed 24193343.